The following is an entry in ClinVar:

NM_000059.4(BRCA2):c.2824T>C (p.Ser942Pro)

Gene: BRCA2 (BRCA2 DNA repair associated; plus strand). Cytogenetic location: 13q13.1.
Variant type: single nucleotide variant.
Coding change: c.2824T>C on transcript NM_000059.4 (MANE Select); coding-DNA position 2824, T replaced by C.
Protein change: p.Ser942Pro; replaces serine 942 with proline.
Molecular consequence: missense variant. On other transcripts: non-coding transcript variant (1), intron variant (2).
Genome position (GRCh38, 1-based): chr13:32,337,179, T>C. VCF-style: chr13-32337179-T-C. GRCh37 (hg19) VCF-style: chr13-32911316-T-C.
Other names: c.2824T>C, p.Ser942Pro (NM_001406719.1, NM_001406720.1); c.1909+3792T>C (NM_001406721.1); c.424+6149T>C (NM_001406722.1); short protein forms S942P.
Identifiers: ClinVar variation 2739515 (VCV002739515.4), dbSNP rs2137490330, ClinGen allele CA387773807.
Genomic context (GRCh38, chr13:32,337,179, plus strand): 5'-TTCAAGAACTCTACCATGGTTTTATATGGAGACACAGGTGATAAACAAGCAACCCAAGTG[T>C]CAATTAAAAAAGATTTGGTTTATGTTCTTGCAGAGGAGAACAAAAATAGTGTAAAGCAGC-3'
Protein context (NP_000050.3, residues 932-952): DTGDKQATQV[Ser942Pro]IKKDLVYVLA

ClinVar aggregate classification (germline): Uncertain significance. Review status: criteria provided, multiple submitters, no conflicts (2 of 4 stars). 2 submissions from 2 submitters: Uncertain significance (2). Last evaluated 2024-06-07.

Conditions:
Hereditary cancer-predisposing syndrome. Also called: Hereditary Cancer Syndrome; Neoplastic Syndromes, Hereditary; Hereditary neoplastic syndrome; Tumor predisposition. Identifiers: Orphanet 140162, MedGen C0027672, MeSH D009386, MONDO:0015356.
Hereditary breast ovarian cancer syndrome. Also called: BRCA1- and BRCA2-Associated Hereditary Breast and Ovarian Cancer; Hereditary breast and ovarian cancer syndrome; Hereditary breast and ovarian cancer syndrome (HBOC); Hereditary breast and/or ovarian cancer syndrome; Breast and ovarian cancer; Hereditary breast and ovarian cancer. Identifiers: Orphanet 145, MedGen C0677776, MeSH D061325, MONDO:0003582. Disease mechanism: loss of function.

gnomAD v4.1: 1 of 1,613,630 alleles (0.000062%); no homozygotes.

Submissions (2):

Ambry Genetics
Classification: Uncertain significance for Hereditary cancer-predisposing syndrome. Last evaluated: 2024-06-07. Review status: criteria provided, single submitter. Criteria: Ambry Variant Classification Scheme 2023. Collection method: clinical testing. Allele origin: germline.
Comment: The p.S942P variant (also known as c.2824T>C), located in coding exon 10 of the BRCA2 gene, results from a T to C substitution at nucleotide position 2824. The serine at codon 942 is replaced by proline, an amino acid with similar properties. This amino acid position is conserved. In addition, this alteration is predicted to be tolerated by in silico analysis. Based on the available evidence, the clinical significance of this variant remains unclear.

Labcorp Genetics (formerly Invitae), Labcorp
Classification: Uncertain significance for Hereditary breast ovarian cancer syndrome. Last evaluated: 2022-10-29. Review status: criteria provided, single submitter. Criteria: Invitae Variant Classification Sherloc (09022015). Collection method: clinical testing. Allele origin: germline.
Comment: In summary, the available evidence is currently insufficient to determine the role of this variant in disease. Therefore, it has been classified as a Variant of Uncertain Significance. Advanced modeling of protein sequence and biophysical properties (such as structural, functional, and spatial information, amino acid conservation, physicochemical variation, residue mobility, and thermodynamic stability) performed at Invitae indicates that this missense variant is not expected to disrupt BRCA2 protein function. This variant has not been reported in the literature in individuals affected with BRCA2-related conditions. This variant is not present in population databases (gnomAD no frequency). This sequence change replaces serine, which is neutral and polar, with proline, which is neutral and non-polar, at codon 942 of the BRCA2 protein (p.Ser942Pro).